The following is an entry in ClinVar:

NM_006767.4(LZTR1):c.935A>G (p.His312Arg)

Gene: LZTR1 (leucine zipper like post translational regulator 1; plus strand). Cytogenetic location: 22q11.21.
Variant type: single nucleotide variant.
Coding change: c.935A>G on transcript NM_006767.4 (MANE Select); coding-DNA position 935, A replaced by G.
Protein change: p.His312Arg; replaces histidine 312 with arginine.
Molecular consequence: missense variant.
Genome position (GRCh38, 1-based): chr22:20,991,771, A>G. VCF-style: chr22-20991771-A-G. GRCh37 (hg19) VCF-style: chr22-21346060-A-G.
Other names: short protein forms H312R.
Identifiers: ClinVar variation 3238373 (VCV003238373.1), dbSNP rs2518617286.
Genomic context (GRCh38, chr22:20,991,771, plus strand): 5'-TTGACCGCCACCTCTATGTGTTTGGGGGTGCGGCCGACAACACGCTGCCCAACGAGCTGC[A>G]CTGCTATGACGTGGACTTCCAGACCTGGGAGGTCGTCCAGCCCAGCTCCGACAGCGAGGT-3'
Protein context (NP_006758.2, residues 302-322): AADNTLPNEL[His312Arg]CYDVDFQTWE

ClinVar aggregate classification (germline): Uncertain significance (1 of 4 stars; one submission).

Conditions:
Hereditary cancer-predisposing syndrome. Also called: Neoplastic Syndromes, Hereditary; Tumor predisposition; Hereditary neoplastic syndrome; Hereditary Cancer Syndrome. Identifiers: Orphanet 140162, MedGen C0027672, MeSH D009386, MONDO:0015356.
Cardiovascular phenotype. Identifiers: MedGen CN230736.

Submission:

Ambry Genetics
Classification: Uncertain significance for Cardiovascular phenotype; Hereditary cancer-predisposing syndrome. Last evaluated: 2023-11-03. Review status: criteria provided, single submitter. Criteria: Ambry Variant Classification Scheme 2023. Collection method: clinical testing. Allele origin: germline.
Comment: The p.H312R variant (also known as c.935A>G), located in coding exon 9 of the LZTR1 gene, results from an A to G substitution at nucleotide position 935. The histidine at codon 312 is replaced by arginine, an amino acid with highly similar properties. This amino acid position is conserved. In addition, this alteration is predicted to be deleterious by in silico analysis. Since supporting evidence is limited at this time, the clinical significance of this alteration remains unclear.